The following is an entry in ClinVar:

ClinVar aggregate classification (germline): Likely pathogenic (1 of 4 stars; one submission).

Conditions:
3-methylglutaconic aciduria, type VIIB (MGCA7B). Also called: 3-methylglutaconic aciduria with cataracts, neurologic involvement and neutropenia; CLPB Deficiency; 3-methylglutaconic aciduria, type VII, with cataracts, neurologic involvement and neutropenia. Identifiers: Orphanet 445038, MedGen C5676893, MONDO:0014561, OMIM 616271.

Submission:

Labcorp Genetics (formerly Invitae), Labcorp
Classification: Likely pathogenic for 3-methylglutaconic aciduria, type VIIB. Last evaluated: 2024-11-18. Review status: criteria provided, single submitter. Criteria: Invitae Variant Classification Sherloc (09022015). Collection method: clinical testing. Allele origin: germline.
Comment: This sequence change affects a splice site in intron 14 of the CLPB gene. It is expected to disrupt RNA splicing. Variants that disrupt the donor or acceptor splice site typically lead to a loss of protein function (PMID: 16199547), and loss-of-function variants in CLPB are known to be pathogenic (PMID: 25597510, 28687938). The frequency data for this variant in the population databases is considered unreliable, as metrics indicate poor data quality at this position in the gnomAD database. This variant has not been reported in the literature in individuals affected with CLPB-related conditions. ClinVar contains an entry for this variant (Variation ID: 2138802). Algorithms developed to predict the effect of sequence changes on RNA splicing suggest that this variant may disrupt the consensus splice site. In summary, the currently available evidence indicates that the variant is pathogenic, but additional data are needed to prove that conclusively. Therefore, this variant has been classified as Likely Pathogenic.

Literature cited by the submitters: PubMed 16199547; PubMed 25597510; PubMed 28687938.

NM_001258392.3(CLPB):c.1560+2_1560+5del

Gene: CLPB (ClpB family mitochondrial disaggregase; minus strand). Cytogenetic location: 11q13.4.
Variant type: Deletion.
Coding change: c.1560+2_1560+5del on transcript NM_001258392.3 (MANE Select); the canonical splice donor site of the intron after coding-DNA position 1560 through 5 bases into the intron after coding-DNA position 1560, 4 bases deleted (TAAG; older notation c.1560+2_1560+5delTAAG).
Molecular consequence: splice donor variant.
Genome position (GRCh38, 1-based): chr11:72,294,615-72,294,618, CTTA deleted on the plus strand (TAAG on the coding strand, the reverse complement: CLPB is on the minus strand); deleting any 4 consecutive bases within chr11:72,294,615-72,294,621 gives the same sequence; the c. name uses the placement nearest the transcript's 3' end. VCF-style (leftmost placement, unchanged base first): chr11-72294614-TCTTA-T. GRCh37 (hg19) VCF-style: chr11-72005658-TCTTA-T.
Other names: c.1473+2_1473+5del (NM_001258393.3); c.1650+2_1650+5del (NM_030813.6); c.1515+2_1515+5del (NM_001258394.3).
Identifiers: ClinVar variation 2138802 (VCV002138802.4), dbSNP rs1242832482, ClinGen allele CA600085388.